The following is an entry in ClinVar:

NM_198904.4(GABRG2):c.748G>A (p.Glu250Lys)

Gene: GABRG2 (gamma-aminobutyric acid type A receptor subunit gamma2; plus strand). Cytogenetic location: 5q34.
Variant type: single nucleotide variant.
Coding change: c.748G>A on transcript NM_198904.4 (MANE Select); coding-DNA position 748, G replaced by A.
Protein change: p.Glu250Lys; replaces glutamic acid 250 with lysine.
Molecular consequence: missense variant.
Genome position (GRCh38, 1-based): chr5:162,104,005, G>A. VCF-style: chr5-162104005-G-A. GRCh37 (hg19) VCF-style: chr5-161531011-G-A.
Other names: c.748G>A, p.Glu250Lys (NM_000816.3, NM_001375340.1, NM_001375341.1 and 2 more transcripts); c.739G>A, p.Glu247Lys (NM_001375339.1); c.868G>A, p.Glu290Lys (NM_001375343.1, NM_198903.2); c.682G>A, p.Glu228Lys (NM_001375345.1, NM_001375346.1); c.661G>A, p.Glu221Lys (NM_001375347.1); c.328G>A, p.Glu110Lys (NM_001375348.1, NM_001375350.1); c.463G>A, p.Glu155Lys (NM_001375349.1); short protein forms E250K, E290K, E110K, E155K, E221K, E228K, E247K.
Identifiers: ClinVar variation 450459 (VCV000450459.14), dbSNP rs549251133, ClinGen allele CA131112333.

ClinVar aggregate classification (germline): Uncertain significance. Review status: criteria provided, multiple submitters, no conflicts (2 of 4 stars). 3 submissions from 3 submitters: Uncertain significance (3). Last evaluated 2025-09-16.

Conditions:
EPILEPSY, CHILDHOOD ABSENCE, SUSCEPTIBILITY TO, 2 (ECA2). Identifiers: Orphanet 64280, MedGen C1843244, OMIM 607681.
Febrile seizures, familial, 8 (FEB8). Also called: CONVULSIONS, FAMILIAL FEBRILE, 8. Identifiers: Orphanet 36387, MedGen C1969810, MONDO:0011891, OMIM 607681.

Allele frequency attached by ClinVar (database versions not stated): gnomAD exomes below 0.00001; TOPMed below 0.00001; gnomAD 0.00001; 1000 Genomes Project 30x 0.00016; 1000 Genomes Project 0.00020.
gnomAD v4.1: 6 of 1,613,924 alleles (0.00037%); highest among the groups gnomAD compares: South Asian, 0.0022%; no homozygotes.

Submissions (3):

GeneDx
Classification: Uncertain significance. Last evaluated: 2025-09-16. Review status: criteria provided, single submitter. Criteria: GeneDx Variant Classification Process June 2021. Collection method: clinical testing. Allele origin: germline. Affected: yes.
Comment: Not observed at significant frequency in large population cohorts (gnomAD); In silico analysis supports that this missense variant has a deleterious effect on protein structure/function; Has not been previously published as pathogenic or benign to our knowledge

Greenwood Genetic Center Diagnostic Laboratories, Greenwood Genetic Center
Classification: Uncertain significance. Last evaluated: 2024-07-11. Review status: criteria provided, single submitter. Criteria: ACMG Guidelines, 2015. Collection method: clinical testing. Allele origin: germline. Affected: yes.
Comment: PM2, PP2

Labcorp Genetics (formerly Invitae), Labcorp
Classification: Uncertain significance for Febrile seizures, familial, 8; EPILEPSY, CHILDHOOD ABSENCE, SUSCEPTIBILITY TO, 2. Last evaluated: 2024-02-27. Review status: criteria provided, single submitter. Criteria: Invitae Variant Classification Sherloc (09022015). Collection method: clinical testing. Allele origin: germline.
Comment: This sequence change replaces glutamic acid, which is acidic and polar, with lysine, which is basic and polar, at codon 250 of the GABRG2 protein (p.Glu250Lys). This variant is present in population databases (rs549251133, gnomAD 0.0009%). This variant has not been reported in the literature in individuals affected with GABRG2-related conditions. ClinVar contains an entry for this variant (Variation ID: 450459). Advanced modeling of protein sequence and biophysical properties (such as structural, functional, and spatial information, amino acid conservation, physicochemical variation, residue mobility, and thermodynamic stability) has been performed at Invitae for this missense variant, however the output from this modeling did not meet the statistical confidence thresholds required to predict the impact of this variant on GABRG2 protein function. In summary, the available evidence is currently insufficient to determine the role of this variant in disease. Therefore, it has been classified as a Variant of Uncertain Significance.